The following is an entry in ClinVar:

NM_152393.4(KLHL40):c.1582G>A (p.Glu528Lys)

Gene: KLHL40 (kelch like family member 40; plus strand). Cytogenetic location: 3p22.1.
Variant type: single nucleotide variant.
Coding change: c.1582G>A on transcript NM_152393.4 (MANE Select); coding-DNA position 1582, G replaced by A.
Protein change: p.Glu528Lys; replaces glutamic acid 528 with lysine.
Molecular consequence: missense variant.
Genome position (GRCh38, 1-based): chr3:42,689,029, G>A. VCF-style: chr3-42689029-G-A. GRCh37 (hg19) VCF-style: chr3-42730521-G-A.
Other names: short protein forms E528K.
Identifiers: ClinVar variation 60512 (VCV000060512.13), dbSNP rs397509419, ClinGen allele CA214759.

ClinVar aggregate classification (germline): Pathogenic/Likely pathogenic. Review status: criteria provided, multiple submitters, no conflicts (2 of 4 stars). 6 submissions from 6 submitters: Pathogenic (3); Likely pathogenic (2). 1 of the submissions does not count toward it. Last evaluated 2025-03-18.

Conditions:
Nemaline myopathy 8 (NEM8). Also called: Nemaline myopathy 8, autosomal recessive. Identifiers: Orphanet 171430, MedGen C3809209, MONDO:0014138, OMIM 615348.

Allele frequency attached by ClinVar (database versions not stated): gnomAD exomes 0.00003 and 0.00006; TOPMed 0.00002; ExAC 0.00007; gnomAD 0.00001.
gnomAD v4.1: 39 of 1,613,776 alleles (0.0024%); highest among the groups gnomAD compares: East Asian, 0.058%; no homozygotes.

Submissions (6):

Variantyx, Inc.
Classification: Likely pathogenic for Nemaline myopathy 8. Last evaluated: 2025-03-18. Review status: criteria provided, single submitter. Criteria: Variantyx Assertion Criteria 2022. Collection method: clinical testing. Allele origin: germline.
Comment: This is a nonsynonymous variant in the KLHL40 gene (OMIM: 615340). Pathogenic variants in this gene have been associated with autosomal recessive nemaline myopathy 8. This variant has been identified in the homozygous or compound heterozygous state in several individual(s) from the published literature (PMID: 38397198, 23746549). Multiple computational algorithms predict a deleterious effect for this variant (REVEL score: 0.875) (PP3_Moderate). This variant has a 0.0579% maximum allele frequency in non-founder control populations (PM2_Supporting). Based on the current evidence, this variant is classified as likely pathogenic for autosomal recessive nemaline myopathy 8.

Labcorp Genetics (formerly Invitae), Labcorp
Classification: Pathogenic for Nemaline myopathy 8. Last evaluated: 2022-05-20. Review status: criteria provided, single submitter. Criteria: Invitae Variant Classification Sherloc (09022015). Collection method: clinical testing. Allele origin: germline.
Comment: This missense change has been observed in individuals with nemaline myopathy (PMID: 23746549). For these reasons, this variant has been classified as Pathogenic. Studies have shown that this missense change alters KLHL40 gene expression (PMID: 24960163). Algorithms developed to predict the effect of missense changes on protein structure and function are either unavailable or do not agree on the potential impact of this missense change (SIFT: "Deleterious"; PolyPhen-2: "Probably Damaging"; Align-GVGD: "Class C0"). ClinVar contains an entry for this variant (Variation ID: 60512). This variant is present in population databases (rs397509419, gnomAD 0.09%). This sequence change replaces glutamic acid, which is acidic and polar, with lysine, which is basic and polar, at codon 528 of the KLHL40 protein (p.Glu528Lys).

3billion
Classification: Likely pathogenic for Nemaline myopathy 8. Last evaluated: 2021-10-02. Review status: criteria provided, single submitter. Criteria: ACMG Guidelines, 2015. Collection method: clinical testing. Allele origin: maternal. Affected: yes. Observed: 1 heterozygote.
Comment: Same nucleotide change resulting in same amino acid change has been previously reported as pathogenic supporitng evidence (ClinVar ID: VCV000060512.2, PS1_P). It is observed at an extremely low frequency in the gnomAD v2.1.1 dataset (total allele frequency: 0.0000637, PM2). The variant was observed in trans with a pathogenic variant (NM_152393.3:c.1281_1294del) as compound heterozygous (3billion dataset, PM3). In silico tool predictions suggest damaging effect of the variant on gene or gene product (REVEL: 0.875, PP3). Patient's phenotype is considered compatible with Nemaline myopathy 8, autosomal recessive (3billion dataset, PP4). Therefore, this variant is classified as likely pathogenic according to the recommendation of ACMG/AMP guideline.

Institute of Medical Genetics and Applied Genomics, University Hospital Tübingen
Classification: Pathogenic. Last evaluated: 2020-10-23. Review status: criteria provided, single submitter. Criteria: ACMG Guidelines, 2015. Collection method: clinical testing. Allele origin: germline. Inheritance: Autosomal recessive inheritance. Affected: yes.

Juno Genomics, Hangzhou Juno Genomics, Inc
Classification: Pathogenic for Nemaline myopathy 8. Review status: criteria provided, single submitter. Criteria: ACMG Guidelines, 2015. Collection method: clinical testing. Allele origin: germline. Affected: yes.
Comment: Absent from controls (or at extremely low frequency if recessive) in Genome Aggregation Database.;Multiple lines of computational evidence support a deleterious effect on the gene or gene product.;For recessive disorders, detected in trans with a pathogenic variant.;Patient's phenotype or family history is highly specific for a disease with a single genetic etiology.;Co-segregation with disease in multiple affected family members.

OMIM
Classification: Pathogenic for NEMALINE MYOPATHY 8. Last evaluated: 2013-07-11. Review status: no assertion criteria provided. Collection method: literature only. Allele origin: germline. Not counted in ClinVar's aggregate classification.

Literature cited by the submitters: PubMed 23746549 (cited by Labcorp Genetics (formerly Invitae), Labcorp and OMIM); PubMed 24960163 (cited by Labcorp Genetics (formerly Invitae), Labcorp).